The following is an entry in ClinVar:

ClinVar aggregate classification (germline): Uncertain significance (1 of 4 stars; one submission).

Conditions:
Inborn genetic diseases. Identifiers: MedGen C0950123, MeSH D030342.

Allele frequency attached by ClinVar (database versions not stated): gnomAD exomes below 0.00001.
gnomAD v4.1: 2 of 1,612,428 alleles (0.00012%); no homozygotes.

Submission:

Ambry Genetics
Classification: Uncertain significance for Inborn genetic diseases. Last evaluated: 2023-09-21. Review status: criteria provided, single submitter. Criteria: Ambry Variant Classification Scheme 2023. Collection method: clinical testing. Allele origin: germline.
Comment: The p.F217C variant (also known as c.650T>G), located in coding exon 7 of the AKT1 gene, results from a T to G substitution at nucleotide position 650. The phenylalanine at codon 217 is replaced by cysteine, an amino acid with highly dissimilar properties. This amino acid position is conserved. In addition, this alteration is predicted to be deleterious by in silico analysis. Since supporting evidence is limited at this time, the clinical significance of this alteration remains unclear.

NM_001382430.1(AKT1):c.650T>G (p.Phe217Cys)

Gene: AKT1 (AKT serine/threonine kinase 1; minus strand). Cytogenetic location: 14q32.33.
Variant type: single nucleotide variant.
Coding change: c.650T>G on transcript NM_001382430.1 (MANE Select); coding-DNA position 650, T replaced by G.
Protein change: p.Phe217Cys; replaces phenylalanine 217 with cysteine.
Molecular consequence: missense variant.
Genome position (GRCh38, 1-based): chr14:104,773,964, A>C on the plus strand (T>G on the coding strand, the complement: AKT1 is on the minus strand). VCF-style: chr14-104773964-A-C. GRCh37 (hg19) VCF-style: chr14-105240301-A-C.
Other names: c.650T>G, p.Phe217Cys (NM_001014431.2, NM_001014432.2, NM_001382431.1 and 3 more transcripts); short protein forms F217C.
Identifiers: ClinVar variation 3224634 (VCV003224634.1), dbSNP rs2542133740, ClinGen allele CA391218921.